The following is an entry in ClinVar:

NM_002769.5(PRSS1):c.260T>C (p.Phe87Ser)

Genes: PRSS1 (serine protease 1; plus strand), TRB (T cell receptor beta locus; plus strand). Cytogenetic location: 7q34.
Variant type: single nucleotide variant.
Coding change: c.260T>C on transcript NM_002769.5 (MANE Select); coding-DNA position 260, T replaced by C.
Protein change: p.Phe87Ser; replaces phenylalanine 87 with serine.
Molecular consequence: missense variant. On other transcripts: non-coding transcript variant (4).
Genome position (GRCh38, 1-based): chr7:142,751,833, T>C. VCF-style: chr7-142751833-T-C. GRCh37 (hg19) VCF-style: chr7-142459684-T-C.
Other names: short protein forms F87S.
Identifiers: ClinVar variation 4145698 (VCV004145698.1).

ClinVar aggregate classification (germline): Uncertain significance (1 of 4 stars; one submission).

Conditions:
Hereditary pancreatitis (PCTT). Also called: Hereditary chronic pancreatitis; PRSS1-Related Hereditary Pancreatitis. Identifiers: Orphanet 676, MedGen C0238339, MONDO:0008185, OMIM 167800.

Submission:

Ambry Genetics
Classification: Uncertain significance for Hereditary pancreatitis. Last evaluated: 2025-07-18. Review status: criteria provided, single submitter. Criteria: Ambry Variant Classification Scheme 2023. Collection method: clinical testing. Allele origin: germline.
Comment: The p.F87S variant (also known as c.260T>C), located in coding exon 3 of the PRSS1 gene, results from a T to C substitution at nucleotide position 260. The phenylalanine at codon 87 is replaced by serine, an amino acid with highly dissimilar properties. This amino acid position is conserved. In addition, the in silico prediction for this alteration is inconclusive. Based on the available evidence, the clinical significance of this variant remains unclear.